The following is an entry in ClinVar:

NM_138409.4(MRAP2):c.228-1839T>G

Gene: MRAP2 (melanocortin 2 receptor accessory protein 2; plus strand). Cytogenetic location: 6q14.2.
Variant type: single nucleotide variant.
Coding change: c.228-1839T>G on transcript NM_138409.4 (MANE Select); 1839 bases into the intron before coding-DNA position 228, T replaced by G.
Molecular consequence: intron variant. On other transcripts: synonymous variant (1).
Genome position (GRCh38, 1-based): chr6:84,087,252, T>G. VCF-style: chr6-84087252-T-G. GRCh37 (hg19) VCF-style: chr6-84796971-T-G.
Other names: c.33T>G, p.Thr11= (NM_001346543.2); c.228-1839T>G (NM_001346542.2, NM_001346544.2); c.-31-1839T>G (NM_001346541.2).
Identifiers: ClinVar variation 3349285 (VCV003349285.1).

ClinVar aggregate classification (germline): Likely benign (0 of 4 stars; one submission).

Conditions:
MRAP2-related disorder. Also called: MRAP2-related condition.

gnomAD v4.1: 1 of 152,200 alleles (0.00066%); highest among the groups gnomAD compares: Non-Finnish European, 0.0015%; no homozygotes.

Submission:

PreventionGenetics, part of Exact Sciences
Classification: Likely benign for MRAP2-related condition. Last evaluated: 2024-03-06. Review status: no assertion criteria provided. Collection method: clinical testing. Allele origin: germline.
Comment: This variant is classified as likely benign based on ACMG/AMP sequence variant interpretation guidelines (Richards et al. 2015 PMID: 25741868, with internal and published modifications).